The following is an entry in ClinVar:

ClinVar aggregate classification (germline): Uncertain significance (1 of 4 stars; one submission).

Allele frequency attached by ClinVar (database versions not stated): gnomAD exomes below 0.00001.
gnomAD v4.1: 1 of 1,613,978 alleles (0.000062%); highest among the groups gnomAD compares: Admixed American, 0.0017%; no homozygotes.

Submission:

Labcorp Genetics (formerly Invitae), Labcorp
Classification: Uncertain significance. Last evaluated: 2025-07-30. Review status: criteria provided, single submitter. Criteria: Invitae Variant Classification Sherloc (09022015). Collection method: clinical testing. Allele origin: germline.
Comment: This sequence change replaces lysine, which is basic and polar, with glutamic acid, which is acidic and polar, at codon 1928 of the MTOR protein (p.Lys1928Glu). This variant is not present in population databases (gnomAD no frequency). This variant has not been reported in the literature in individuals affected with MTOR-related conditions. ClinVar contains an entry for this variant (Variation ID: 1397682). Invitae Evidence Modeling of protein sequence and biophysical properties (such as structural, functional, and spatial information, amino acid conservation, physicochemical variation, residue mobility, and thermodynamic stability) indicates that this missense variant is not expected to disrupt MTOR protein function with a negative predictive value of 95%. In summary, the available evidence is currently insufficient to determine the role of this variant in disease. Therefore, it has been classified as a Variant of Uncertain Significance.

NM_004958.4(MTOR):c.5782A>G (p.Lys1928Glu)

Gene: MTOR (mechanistic target of rapamycin kinase; minus strand). Cytogenetic location: 1p36.22.
Variant type: single nucleotide variant.
Coding change: c.5782A>G on transcript NM_004958.4 (MANE Select); coding-DNA position 5782, A replaced by G.
Protein change: p.Lys1928Glu; replaces lysine 1928 with glutamic acid.
Molecular consequence: missense variant.
Genome position (GRCh38, 1-based): chr1:11,128,884, T>C on the plus strand (A>G on the coding strand, the complement: MTOR is on the minus strand). VCF-style: chr1-11128884-T-C. GRCh37 (hg19) VCF-style: chr1-11188941-T-C.
Other names: c.5782A>G, p.Lys1928Glu (NM_001386500.1); c.4534A>G, p.Lys1512Glu (NM_001386501.1); short protein forms K1928E, K1512E.
Identifiers: ClinVar variation 1397682 (VCV001397682.8), dbSNP rs1338398054, ClinGen allele CA338396677.
Genomic context (GRCh38, chr1:11,128,884, plus strand): 5'-GCCACCTTCACCTGTAACCAAGTATCCTCACCTGTAGCCAGGTATCAATCTGGATGGCTT[T>C]CACCCCCTCCACTAAGGCCTCATTGACATCTGGCCAGTGACCATAATCAAACCATAAGGT-3'
Protein context (NP_004949.1, residues 1918-1938): DVNEALVEGV[Lys1928Glu]AIQIDTWLQV